The following is an entry in ClinVar:

NM_000203.5(IDUA):c.1537_1538delinsTT (p.Ala513Leu)

Gene: IDUA (alpha-L-iduronidase; plus strand). Cytogenetic location: 4p16.3.
Variant type: Indel.
Coding change: c.1537_1538delinsTT on transcript NM_000203.5 (MANE Select); coding-DNA positions 1537 to 1538, GC replaced by TT.
Protein change: p.Ala513Leu; replaces alanine 513 with leucine.
Molecular consequence: missense variant. On other transcripts: non-coding transcript variant (1).
Genome position (GRCh38, 1-based): chr4:1,003,357-1,003,358, GC replaced by TT. VCF-style: chr4-1003357-GC-TT. GRCh37 (hg19) VCF-style: chr4-997145-GC-TT.
Other names: c.1141_1142delinsTT, p.Ala381Leu (NM_001363576.1); short protein forms A381L, A513L.
Identifiers: ClinVar variation 1911533 (VCV001911533.2), dbSNP rs2534097175, ClinGen allele CA2580070688.

ClinVar aggregate classification (germline): Uncertain significance (1 of 4 stars; one submission).

Conditions:
Mucopolysaccharidosis type 1. Also called: IDUA deficiency; MPS I. Identifiers: Orphanet 579, MedGen C0023786, MONDO:0001586.

Submission:

Labcorp Genetics (formerly Invitae), Labcorp
Classification: Uncertain significance for Mucopolysaccharidosis type 1. Last evaluated: 2022-06-23. Review status: criteria provided, single submitter. Criteria: Invitae Variant Classification Sherloc (09022015). Collection method: clinical testing. Allele origin: germline.
Comment: This sequence change replaces alanine, which is neutral and non-polar, with leucine, which is neutral and non-polar, at codon 513 of the IDUA protein (p.Ala513Leu). This variant is present in population databases (no rsID available, gnomAD 0.2%). This variant has not been reported in the literature in individuals affected with IDUA-related conditions. Algorithms developed to predict the effect of missense changes on protein structure and function are either unavailable or do not agree on the potential impact of this missense change (SIFT: "Not Available"; PolyPhen-2: "Benign"; Align-GVGD: "Not Available"). In summary, the available evidence is currently insufficient to determine the role of this variant in disease. Therefore, it has been classified as a Variant of Uncertain Significance.